The following is an entry in ClinVar:

ClinVar aggregate classification (germline): Uncertain significance. Review status: criteria provided, single submitter (1 of 4 stars). 2 submissions from 2 submitters: Uncertain significance (1). 1 of the submissions does not count toward it. Last evaluated 2024-12-18.

Conditions:
ARID1B-Related Disorder. Identifiers: MedGen CN381337.

Allele frequency attached by ClinVar (database versions not stated): gnomAD 0.00003.
gnomAD v4.1: 79 of 1,288,040 alleles (0.0061%); highest among the groups gnomAD compares: Non-Finnish European, 0.0075%; no homozygotes.

Submissions (2):

Labcorp Genetics (formerly Invitae), Labcorp
Classification: Uncertain significance. Last evaluated: 2024-12-18. Review status: criteria provided, single submitter. Criteria: Invitae Variant Classification Sherloc (09022015). Collection method: clinical testing. Allele origin: germline.
Comment: This sequence change replaces alanine, which is neutral and non-polar, with threonine, which is neutral and polar, at codon 341 of the ARID1B protein (p.Ala341Thr). The frequency data for this variant in the population databases is considered unreliable, as metrics indicate poor data quality at this position in the gnomAD database. This missense change has been observed in individual(s) with clinical features of ARID1B-related conditions (PMID: 37500730). ClinVar contains an entry for this variant (Variation ID: 2039951). Invitae Evidence Modeling of protein sequence and biophysical properties (such as structural, functional, and spatial information, amino acid conservation, physicochemical variation, residue mobility, and thermodynamic stability) indicates that this missense variant is not expected to disrupt ARID1B protein function with a negative predictive value of 95%. In summary, the available evidence is currently insufficient to determine the role of this variant in disease. Therefore, it has been classified as a Variant of Uncertain Significance.

PreventionGenetics, part of Exact Sciences
Classification: Uncertain significance for ARID1B-related condition. Last evaluated: 2024-01-09. Review status: no assertion criteria provided. Collection method: clinical testing. Allele origin: germline. Not counted in ClinVar's aggregate classification.
Comment: The ARID1B c.1021G>A variant is predicted to result in the amino acid substitution p.Ala341Thr. To our knowledge, this variant has not been reported in the literature. This variant is reported in 0.013% of alleles in individuals of European (Non-Finnish) descent in gnomAD. At this time, the clinical significance of this variant is uncertain due to the absence of conclusive functional and genetic evidence.

Literature cited by the submitters: PubMed 37500730 (cited by Labcorp Genetics (formerly Invitae), Labcorp).

NM_001374828.1(ARID1B):c.1270G>A (p.Ala424Thr)

Gene: ARID1B (AT-rich interaction domain 1B; plus strand). Cytogenetic location: 6q25.3.
Variant type: single nucleotide variant.
Coding change: c.1270G>A on transcript NM_001374828.1 (MANE Select); coding-DNA position 1270, G replaced by A.
Protein change: p.Ala424Thr; replaces alanine 424 with threonine.
Molecular consequence: missense variant.
Genome position (GRCh38, 1-based): chr6:156,778,950, G>A. VCF-style: chr6-156778950-G-A. GRCh37 (hg19) VCF-style: chr6-157100084-G-A.
Other names: c.1021G>A, p.Ala341Thr (NM_001346813.1, NM_020732.3); c.1270G>A, p.Ala424Thr (NM_001371656.1, NM_001374820.1, NM_017519.3); c.847G>A, p.Ala283Thr (NM_175863.2); short protein forms A341T, A424T, A283T.
Identifiers: ClinVar variation 2039951 (VCV002039951.6), dbSNP rs1216167917, ClinGen allele CA366383813.